The following is an entry in ClinVar:

ClinVar aggregate classification (germline): Uncertain significance (1 of 4 stars; one submission).

Conditions:
Hereditary cancer-predisposing syndrome. Also called: Hereditary neoplastic syndrome; Neoplastic Syndromes, Hereditary; Tumor predisposition; Hereditary Cancer Syndrome. Identifiers: Orphanet 140162, MedGen C0027672, MeSH D009386, MONDO:0015356.

Submission:

Ambry Genetics
Classification: Uncertain significance for Hereditary cancer-predisposing syndrome. Last evaluated: 2026-05-21. Review status: criteria provided, single submitter. Criteria: Ambry Variant Classification Scheme 2023. Collection method: clinical testing. Allele origin: germline.
Comment: The p.K167R variant (also known as c.500A>G), located in coding exon 1 of the GREM1 gene, results from an A to G substitution at nucleotide position 500. The lysine at codon 167 is replaced by arginine, an amino acid with highly similar properties. This amino acid position is conserved. In addition, this alteration is predicted to be tolerated by in silico analysis. Based on the available evidence, the clinical significance of this variant remains unclear.

NM_013372.7(GREM1):c.500A>G (p.Lys167Arg)

Gene: GREM1 (gremlin 1, DAN family BMP antagonist; plus strand). Cytogenetic location: 15q13.3.
Variant type: single nucleotide variant.
Coding change: c.500A>G on transcript NM_013372.7 (MANE Select); coding-DNA position 500, A replaced by G.
Protein change: p.Lys167Arg; replaces lysine 167 with arginine.
Molecular consequence: missense variant.
Genome position (GRCh38, 1-based): chr15:32,731,190, A>G. VCF-style: chr15-32731190-A-G. GRCh37 (hg19) VCF-style: chr15-33023391-A-G.
Other names: c.290A>G, p.Lys97Arg (NM_001191322.2); c.377A>G, p.Lys126Arg (NM_001191323.2); c.500A>G, p.Lys167Arg (NM_001368719.1); short protein forms K126R, K167R, K97R.
Identifiers: ClinVar variation 4858196 (VCV004858196.1).